The following is an entry in ClinVar:

ClinVar aggregate classification (germline): Conflicting classifications of pathogenicity. Review status: criteria provided, conflicting classifications (1 of 4 stars). 3 submissions from 3 submitters: Uncertain significance (1); Likely benign (1). 1 of the submissions does not count toward it. Last evaluated 2023-07-16.

Conditions:
Hereditary cancer-predisposing syndrome. Also called: Tumor predisposition; Hereditary neoplastic syndrome; Hereditary Cancer Syndrome; Neoplastic Syndromes, Hereditary. Identifiers: Orphanet 140162, MedGen C0027672, MeSH D009386, MONDO:0015356.
Hereditary breast ovarian cancer syndrome. Also called: Hereditary breast and ovarian cancer syndrome; Hereditary breast and ovarian cancer; Hereditary breast and ovarian cancer syndrome (HBOC); BRCA1- and BRCA2-Associated Hereditary Breast and Ovarian Cancer; Hereditary breast and/or ovarian cancer syndrome; Breast and ovarian cancer. Identifiers: Orphanet 145, MedGen C0677776, MeSH D061325, MONDO:0003582. Disease mechanism: loss of function.
Malignant tumor of breast. Also called: Malignant breast neoplasm; Cancer breast. Identifiers: MedGen C0006142, MONDO:0007254. Disease mechanism: loss of function.

Submissions (3):

Labcorp Genetics (formerly Invitae), Labcorp
Classification: Uncertain significance for Hereditary breast ovarian cancer syndrome. Last evaluated: 2023-07-16. Review status: criteria provided, single submitter. Criteria: Invitae Variant Classification Sherloc (09022015). Collection method: clinical testing. Allele origin: germline.
Comment: In summary, the available evidence is currently insufficient to determine the role of this variant in disease. Therefore, it has been classified as a Variant of Uncertain Significance. Advanced modeling of protein sequence and biophysical properties (such as structural, functional, and spatial information, amino acid conservation, physicochemical variation, residue mobility, and thermodynamic stability) performed at Invitae indicates that this missense variant is not expected to disrupt BRCA1 protein function. ClinVar contains an entry for this variant (Variation ID: 1049577). This variant has not been reported in the literature in individuals affected with BRCA1-related conditions. This variant is not present in population databases (gnomAD no frequency). This sequence change replaces serine, which is neutral and polar, with leucine, which is neutral and non-polar, at codon 1212 of the BRCA1 protein (p.Ser1212Leu).

University of Washington Department of Laboratory Medicine, University of Washington
Classification: Likely benign for Hereditary cancer-predisposing syndrome. Last evaluated: 2023-03-23. Review status: criteria provided, single submitter. Criteria: Dines et al. (Genet Med. 2020). Collection method: curation. Allele origin: germline.
Comment: Missense variant in a coldspot region where missense variants are very unlikely to be pathogenic (PMID:31911673).

BRCA1 coldspot (exon 11 using historical exon numbering). Reclassification based on statistical prior probability

Department of Pathology and Laboratory Medicine, Sinai Health System
Classification: Uncertain significance for Malignant tumor of breast. Review status: no assertion criteria provided. Collection method: clinical testing. Allele origin: unknown. Affected: yes. Study: The Canadian Open Genetics Repository (COGR). Not counted in ClinVar's aggregate classification.
Comment: The BRCA1 p.Ser1212Leu variant was not identified in the literature nor was it identified in the dbSNP, ClinVar, LOVD 3.0, or UMD-LSDB databases. The variant was not identified in the following control databases: the Exome Aggregation Consortium (August 8th 2016), or the Genome Aggregation Database (Feb 27, 2017). The p.Ser1212 residue is conserved in mammals and computational analyses (PolyPhen-2, SIFT, AlignGVGD, BLOSUM, MutationTaster) provide inconsistent predictions regarding the impact to the protein; this information is not very predictive of pathogenicity. The variant occurs outside of the splicing consensus sequence and in silico or computational prediction software programs (SpliceSiteFinder, MaxEntScan, NNSPLICE, GeneSplicer) do not predict a difference in splicing. In summary, based on the above information the clinical significance of this variant cannot be determined with certainty at this time. This variant is classified as a variant of uncertain significance.

NM_007294.4(BRCA1):c.3635C>T (p.Ser1212Leu)

Genes: BRCA1 (BRCA1 DNA repair associated; minus strand), LOC126862571 (BRD4-independent group 4 enhancer GRCh37_chr17:41243136-41244335; plus strand). Cytogenetic location: 17q21.31.
Variant type: single nucleotide variant.
Coding change: c.3635C>T on transcript NM_007294.4 (MANE Select); coding-DNA position 3635, C replaced by T.
Protein change: p.Ser1212Leu; replaces serine 1212 with leucine.
Molecular consequence: missense variant. On other transcripts: intron variant (135).
Genome position (GRCh38, 1-based): chr17:43,091,896, G>A on the plus strand (C>T on the coding strand, the complement: BRCA1 is on the minus strand). VCF-style: chr17-43091896-G-A. GRCh37 (hg19) VCF-style: chr17-41243913-G-A.
Other names: c.3494C>T, p.Ser1165Leu (NM_001407942.1, NM_001407944.1, NM_001407945.1 and 29 more transcripts); c.3491C>T, p.Ser1164Leu (NM_001407943.1, NM_001407740.1, NM_001407741.1 and 20 more transcripts); c.3302C>T, p.Ser1101Leu (NM_001407949.1, NM_001407950.1, NM_001407947.1 and 6 more transcripts); c.647-864C>T (NM_001408461.1, NM_001408467.1, NM_001408459.1 and 11 more transcripts); c.785-864C>T (NM_001408397.1, NM_001408401.1, NM_001408396.1 and 13 more transcripts); c.665-864C>T (NM_001408436.1, NM_001408444.1, NM_001408438.1 and 12 more transcripts); c.788-864C>T (NM_001407980.1, NM_001407993.1, NM_001407976.1 and 17 more transcripts); c.653-864C>T (NM_001408451.1); and 41 more; short protein forms S1165L, S1212L, S1085L, S1100L, S1141L, S1142L, S1144L, S1084L.
Identifiers: ClinVar variation 1049577 (VCV001049577.9), dbSNP rs886038021, ClinGen allele CA10594697.